The following is an entry in ClinVar:

ClinVar aggregate classification (germline): Likely pathogenic. Review status: reviewed by expert panel (3 of 4 stars). 3 submissions from 3 submitters: Likely pathogenic (1). 2 of the submissions do not count toward it. Last evaluated 2024-04-05.

Conditions:
Monogenic diabetes. Identifiers: Orphanet 183625, MedGen C3888631, MONDO:0015967.
Maturity-onset diabetes of the young (MODY). Also called: Maturity onset diabetes mellitus in young. Identifiers: Orphanet 552, MedGen C0342276, MONDO:0018911, HP:0004904.

Submissions (3):

ClinGen Monogenic Diabetes Variant Curation Expert Panel
Classification: Likely pathogenic for Monogenic diabetes. Last evaluated: 2024-04-05. Review status: reviewed by expert panel. Criteria: ClinGen Diabetes ACMG Specifications HNF4A V2.0.0. Collection method: curation. Allele origin: germline. Inheritance: Autosomal dominant inheritance.
Comment: The c.221G>A variant in the hepatocyte nuclear factor 4-alpha gene, HNF4A, causes an amino acid change of cysteine to tyrosine at codon 74 (p.(Cys74Tyr)) of NM_175914.5. This variant is absent in gnomAD v2.1.1 (PM2_Supporting). This variant resides in an amino acid that is necessary for Zinc-finger formation, which is defined as critical for the protein's function by the ClinGen MDEP (PM1). It is also predicted to be deleterious by computational evidence, with a REVEL score of 0.976, which is greater than the MDEP VCEP threshold of 0.70 (PP3). In summary, c.221G>A meets the criteria to be classified as likely pathogenic for monogenic diabetes. ACMG/AMP criteria applied, as specified by the ClinGen MDEP (specification version 2.0.0, approved 10/11/2023): PP4_Moderate, PM1, PP3, PM2_Supporting.

Ambry Genetics
Classification: Uncertain significance for Maturity-onset diabetes of the young. Last evaluated: 2024-07-26. Review status: criteria provided, single submitter. Criteria: Ambry Variant Classification Scheme 2023. Collection method: clinical testing. Allele origin: germline. Not counted in ClinVar's aggregate classification.
Comment: The c.221G>A (p.C74Y) alteration is located in exon 2 (coding exon 2) of the HNF4A gene. This alteration results from a G to A substitution at nucleotide position 221, causing the cysteine (C) at amino acid position 74 to be replaced by a tyrosine (Y). This variant was not reported in population-based cohorts in the Genome Aggregation Database (gnomAD). This amino acid position is highly conserved in available vertebrate species. This missense alteration is located in a region that has a low rate of benign missense variation (Lek, 2016; Firth, 2009). This alteration is predicted to be deleterious by in silico analysis. Based on insufficient or conflicting evidence, the clinical significance of this alteration remains unclear.

Clinical Genomics, Uppaluri K&H Personalized Medicine Clinic
Classification: Likely risk allele for Maturity-onset diabetes of the young. Review status: criteria provided, single submitter. Criteria: K & H Uppaluri Personalized Medicine Clinic Variant Classification & Assertion Criteria_Updated V.1. Collection method: research. Allele origin: unknown. Inheritance: Autosomal dominant inheritance. Not counted in ClinVar's aggregate classification.
Comment: Potent mutations in HNF4A are associated with poor insulin secretion in response to hyperglycemia. Associated with MODY1. Patients initially respond well to sulfonylureas but eventually become insulin dependent. However, more evidence is required to ascertain the role of this particular variant rs1555813342 in MODY, yet.

Literature cited by the submitters: DOI 10.1159/000334532 (cited by Clinical Genomics, Uppaluri K&H Personalized Medicine Clinic); PubMed 18268044 (cited by Clinical Genomics, Uppaluri K&H Personalized Medicine Clinic); PubMed 17563455 (cited by Clinical Genomics, Uppaluri K&H Personalized Medicine Clinic); PubMed 32583173 (cited by Clinical Genomics, Uppaluri K&H Personalized Medicine Clinic); PubMed 35052457 (cited by Clinical Genomics, Uppaluri K&H Personalized Medicine Clinic); PubMed 35118593 (cited by Clinical Genomics, Uppaluri K&H Personalized Medicine Clinic).

NM_175914.5(HNF4A):c.221G>A (p.Cys74Tyr)

Gene: HNF4A (hepatocyte nuclear factor 4 alpha; plus strand). Cytogenetic location: 20q13.12.
Variant type: single nucleotide variant.
Coding change: c.221G>A on transcript NM_175914.5 (MANE Select); coding-DNA position 221, G replaced by A.
Protein change: p.Cys74Tyr; replaces cysteine 74 with tyrosine.
Molecular consequence: missense variant.
Genome position (GRCh38, 1-based): chr20:44,406,229, G>A. VCF-style: chr20-44406229-G-A. GRCh37 (hg19) VCF-style: chr20-43034869-G-A.
Other names: NM_175914.5(HNF4A):c.221G>A; p.Cys74Tyr; c.212G>A, p.Cys71Tyr (NM_001287184.2, NM_001287182.2, NM_001287183.2); c.287G>A, p.Cys96Tyr (NM_178849.3, NM_178850.3, NM_000457.6); c.221G>A, p.Cys74Tyr (NM_001030003.3, NM_001030004.3); c.266G>A, p.Cys89Tyr (NM_001258355.2); short protein forms C71Y, C74Y, C96Y, C89Y.
Identifiers: ClinVar variation 520895 (VCV000520895.6), dbSNP rs1555813342, ClinGen allele CA409104024.
Genomic context (GRCh38, chr20:44,406,229, plus strand): 5'-GCTGTGACGGCTGCAAGGGCTTCTTCCGGAGGAGCGTGCGGAAGAACCACATGTACTCCT[G>A]CAGGTGAGGAGCCTCAATTTCTTCAGCTGGGAAATGGGCACACTTGGGCTCATGGCCCCA-3'
Protein context (NP_787110.2, residues 64-84): RSVRKNHMYS[Cys74Tyr]RFSRQCVVDK